The following is an entry in ClinVar:

ClinVar aggregate classification (germline): Pathogenic; risk factor. Review status: no assertion criteria provided (0 of 4 stars). 2 submissions from 2 submitters: Pathogenic (1). Last evaluated 2020-06-29.

Conditions:
Periventricular nodular heterotopia 9. Identifiers: MedGen C5394503, MONDO:0030061, OMIM 618918.
Periventricular nodular heterotopia (PVNH). Identifiers: Orphanet 98892, MedGen C1868720, MeSH D054091, MONDO:0020341, HP:0032388.
White matter deficit.
Hypoplasia of the corpus callosum. Also called: Corpus callosum hypoplasia. Identifiers: MedGen C0344482, HP:0002079.
Cognitive impairment. Also called: cognitive deficit. Identifiers: MedGen C0338656, HP:0100543.

Submissions (2):

OMIM
Classification: Pathogenic for PERIVENTRICULAR NODULAR HETEROTOPIA 9. Last evaluated: 2020-06-29. Review status: no assertion criteria provided. Collection method: literature only. Allele origin: germline.

deCODE genetics, Amgen
Classification: risk factor for Intellectual impairment; White matter deficit; Corpus callosum hypoplasia; Periventricular nodular heterotopia. Last evaluated: 2017-02-20. Review status: no assertion criteria provided. Collection method: research. Allele origin: de novo. Inheritance: Autosomal dominant inheritance. Affected: yes. Observed: 8 variant alleles.
Comment: variant was de novo in A1 (see PMID:30150678) and then germline in 7 descendents.

As described in PMID:30150678 both carriers and related non-carriers were assessed with an extensive battery of cognitive tests and questionnaires, and their brains imaged for structural changes.

Literature cited by the submitters: PubMed 30150678 (cited by OMIM and deCODE genetics, Amgen).

NM_005909.5(MAP1B):c.2134del (p.Glu712fs)

Gene: MAP1B (microtubule associated protein 1B; plus strand). Cytogenetic location: 5q13.2.
Variant type: Deletion.
Coding change: c.2134del on transcript NM_005909.5 (MANE Select); coding-DNA position 2134, one base deleted (G; older notation c.2134delG).
Protein change: p.Glu712fs; shifts the reading frame from glutamic acid 712.
Molecular consequence: frameshift variant.
Genome position (GRCh38, 1-based): chr5:72,195,489, G deleted; the last of 2 consecutive G bases (chr5:72,195,488-72,195,489); deleting either gives the same sequence. VCF-style (leftmost placement, unchanged base first): chr5-72195487-AG-A. GRCh37 (hg19) VCF-style: chr5-71491314-AG-A.
Other names: c.1756del, p.Glu586fs (NM_001324255.2); short protein forms E586fs, E712fs.
Identifiers: ClinVar variation 800720 (VCV000800720.3), dbSNP rs1561314246, ClinGen allele CA915943358.